The following is an entry in ClinVar:

ClinVar aggregate classification (germline): Uncertain significance (1 of 4 stars; one submission).

Conditions:
DICER1-related tumor predisposition. Also called: DICER1-related pleuropulmonary blastoma cancer predisposition syndrome; DICER1 syndrome. Identifiers: Orphanet 284343, MedGen C3839822, MONDO:0100216.

Submission:

Labcorp Genetics (formerly Invitae), Labcorp
Classification: Uncertain significance for DICER1-related tumor predisposition. Last evaluated: 2024-08-21. Review status: criteria provided, single submitter. Criteria: Invitae Variant Classification Sherloc (09022015). Collection method: clinical testing. Allele origin: germline.
Comment: This sequence change replaces glutamic acid, which is acidic and polar, with glutamine, which is neutral and polar, at codon 1532 of the DICER1 protein (p.Glu1532Gln). This variant is not present in population databases (gnomAD no frequency). This variant has not been reported in the literature in individuals affected with DICER1-related conditions. An algorithm developed to predict the effect of missense changes on protein structure and function (PolyPhen-2) suggests that this variant is likely to be disruptive. In summary, the available evidence is currently insufficient to determine the role of this variant in disease. Therefore, it has been classified as a Variant of Uncertain Significance.

NM_177438.3(DICER1):c.4594G>C (p.Glu1532Gln)

Gene: DICER1 (dicer 1, ribonuclease III; minus strand). Cytogenetic location: 14q32.13.
Variant type: single nucleotide variant.
Coding change: c.4594G>C on transcript NM_177438.3 (MANE Select); coding-DNA position 4594, G replaced by C.
Protein change: p.Glu1532Gln; replaces glutamic acid 1532 with glutamine.
Molecular consequence: missense variant. On other transcripts: non-coding transcript variant (6).
Genome position (GRCh38, 1-based): chr14:95,096,326, C>G on the plus strand (G>C on the coding strand, the complement: DICER1 is on the minus strand). VCF-style: chr14-95096326-C-G. GRCh37 (hg19) VCF-style: chr14-95562663-C-G.
Other names: c.4594G>C, p.Glu1532Gln (NM_001195573.1, NM_001271282.3, NM_001291628.2 and 12 more transcripts); c.4312G>C, p.Glu1438Gln (NM_001395686.1); c.4189G>C, p.Glu1397Gln (NM_001395687.1, NM_001395688.1, NM_001395689.1 and 2 more transcripts); c.4027G>C, p.Glu1343Gln (NM_001395691.1); c.2911G>C, p.Glu971Gln (NM_001395697.1); short protein forms E1438Q, E971Q, E1532Q, E1343Q, E1397Q.
Identifiers: ClinVar variation 3663180 (VCV003663180.2).